The following is an entry in ClinVar:

ClinVar aggregate classification (germline): Uncertain significance. Review status: criteria provided, multiple submitters, no conflicts (2 of 4 stars). 2 submissions from 2 submitters: Uncertain significance (2). Last evaluated 2025-12-05.

Conditions:
Familial focal epilepsy with variable foci (FPEVF). Identifiers: Orphanet 98820, MedGen C1858477, MONDO:0020310.

Allele frequency attached by ClinVar (database versions not stated): TOPMed 0.00004; gnomAD 0.00006 and 0.00007; ESP Exome Variant Server 0.00008.
gnomAD v4.1: 35 of 1,613,974 alleles (0.0022%); highest among the groups gnomAD compares: African/African-American, 0.013%; no homozygotes.

Submissions (2):

Labcorp Genetics (formerly Invitae), Labcorp
Classification: Uncertain significance for Familial focal epilepsy with variable foci. Last evaluated: 2025-12-05. Review status: criteria provided, single submitter. Criteria: Invitae Variant Classification Sherloc (09022015). Collection method: clinical testing. Allele origin: germline.
Comment: This sequence change replaces phenylalanine, which is neutral and non-polar, with leucine, which is neutral and non-polar, at codon 30 of the DEPDC5 protein (p.Phe30Leu). This variant is present in population databases (rs374794334, gnomAD 0.03%). This variant has not been reported in the literature in individuals affected with DEPDC5-related conditions. ClinVar contains an entry for this variant (Variation ID: 644134). Experimental studies and prediction algorithms are not available or were not evaluated, and the functional significance of this variant is currently unknown. In summary, the available evidence is currently insufficient to determine the role of this variant in disease. Therefore, it has been classified as a Variant of Uncertain Significance.

Athena Diagnostics
Classification: Uncertain significance. Last evaluated: 2024-12-05. Review status: criteria provided, single submitter. Criteria: Athena Diagnostics Criteria. Collection method: clinical testing. Allele origin: unknown.
Comment: Available data are insufficient to determine the clinical significance of the variant at this time. The frequency of this variant in the general population is higher than would generally be expected for pathogenic variants in this gene. Polyphen and MutationTaster predict this amino acid change may be damaging to the protein.

NM_001242896.3(DEPDC5):c.90C>G (p.Phe30Leu)

Gene: DEPDC5 (DEP domain containing 5, GATOR1 subcomplex subunit; plus strand). Cytogenetic location: 22q12.2.
Variant type: single nucleotide variant.
Coding change: c.90C>G on transcript NM_001242896.3 (MANE Select); coding-DNA position 90, C replaced by G.
Protein change: p.Phe30Leu; replaces phenylalanine 30 with leucine.
Molecular consequence: missense variant. On other transcripts: non-coding transcript variant (5).
Genome position (GRCh38, 1-based): chr22:31,758,577, C>G. VCF-style: chr22-31758577-C-G. GRCh37 (hg19) VCF-style: chr22-32154563-C-G.
Other names: c.90C>G, p.Phe30Leu (NM_001007188.4, NM_001136029.4, NM_001242897.2 and 9 more transcripts); short protein forms F30L.
Identifiers: ClinVar variation 644134 (VCV000644134.12), dbSNP rs374794334, ClinGen allele CA10195813.